The following is an entry in ClinVar:

ClinVar aggregate classification (germline): Uncertain significance. Review status: criteria provided, multiple submitters, no conflicts (2 of 4 stars). 3 submissions from 3 submitters: Uncertain significance (3). Last evaluated 2025-04-13.

Conditions:
Adenine phosphoribosyltransferase deficiency (APRTD). Also called: 2,8-dihydroxyadenine urolithiasis; Urolithiasis, dha; APRT DEFICIENCY; NEPHROLITHIASIS, DHA. Identifiers: Orphanet 976, MedGen C0268120, MONDO:0013869, OMIM 614723.
Inborn genetic diseases. Identifiers: MedGen C0950123, MeSH D030342.

Allele frequency attached by ClinVar (database versions not stated): TOPMed 0.00004; gnomAD 0.00005; gnomAD exomes 0.00005 and 0.00007; ExAC 0.00008.

Submissions (3):

Ambry Genetics
Classification: Uncertain significance for Inborn genetic diseases. Last evaluated: 2025-04-13. Review status: criteria provided, single submitter. Criteria: Ambry Variant Classification Scheme 2023. Collection method: clinical testing. Allele origin: germline.

Labcorp Genetics (formerly Invitae), Labcorp
Classification: Uncertain significance. Last evaluated: 2024-02-20. Review status: criteria provided, single submitter. Criteria: Invitae Variant Classification Sherloc (09022015). Collection method: clinical testing. Allele origin: germline.
Comment: This sequence change replaces serine, which is neutral and polar, with leucine, which is neutral and non-polar, at codon 161 of the APRT protein (p.Ser161Leu). This variant is present in population databases (rs766909450, gnomAD 0.01%). This variant has not been reported in the literature in individuals affected with APRT-related conditions. ClinVar contains an entry for this variant (Variation ID: 851226). An algorithm developed to predict the effect of missense changes on protein structure and function (PolyPhen-2) suggests that this variant is likely to be tolerated. In summary, the available evidence is currently insufficient to determine the role of this variant in disease. Therefore, it has been classified as a Variant of Uncertain Significance.

Fulgent Genetics
Classification: Uncertain significance for Adenine phosphoribosyltransferase deficiency. Last evaluated: 2024-01-08. Review status: criteria provided, single submitter. Criteria: ACMG Guidelines, 2015. Collection method: clinical testing. Allele origin: germline.

NM_000485.3(APRT):c.482C>T (p.Ser161Leu)

Gene: APRT (adenine phosphoribosyltransferase; minus strand). Cytogenetic location: 16q24.3.
Variant type: single nucleotide variant.
Coding change: c.482C>T on transcript NM_000485.3 (MANE Select); coding-DNA position 482, C replaced by T.
Protein change: p.Ser161Leu; replaces serine 161 with leucine.
Molecular consequence: missense variant. On other transcripts: intron variant (1).
Genome position (GRCh38, 1-based): chr16:88,809,759, G>A on the plus strand (C>T on the coding strand, the complement: APRT is on the minus strand). VCF-style: chr16-88809759-G-A. GRCh37 (hg19) VCF-style: chr16-88876167-G-A.
Other names: c.401-53C>T (NM_001030018.2); short protein forms S161L.
Identifiers: ClinVar variation 851226 (VCV000851226.9), dbSNP rs766909450, ClinGen allele CA8234355.